The following is an entry in ClinVar:

ClinVar aggregate classification (germline): Uncertain significance (1 of 4 stars; one submission).

Submission:

Mayo Clinic Laboratories, Mayo Clinic
Classification: Uncertain significance. Last evaluated: 2023-10-05. Review status: criteria provided, single submitter. Criteria: ACMG Guidelines, 2015. Collection method: clinical testing. Allele origin: germline. Observed: 1 variant allele.
Comment: PM2_moderate

NM_001195248.2(APTX):c.120T>G (p.Cys40Trp)

Gene: APTX (aprataxin; minus strand). Cytogenetic location: 9p21.1.
Variant type: single nucleotide variant.
Coding change: c.120T>G on transcript NM_001195248.2 (MANE Select); coding-DNA position 120, T replaced by G.
Protein change: p.Cys40Trp; replaces cysteine 40 with tryptophan.
Molecular consequence: missense variant. On other transcripts: 5 prime UTR variant (8), non-coding transcript variant (13).
Genome position (GRCh38, 1-based): chr9:32,989,772, A>C on the plus strand (T>G on the coding strand, the complement: APTX is on the minus strand). VCF-style: chr9-32989772-A-C. GRCh37 (hg19) VCF-style: chr9-32989770-A-C.
Other names: p.Cys40Trp; c.-140T>G (NM_001370673.1, NM_001369002.1, NM_001369003.1 and 4 more transcripts); c.120T>G, p.Cys40Trp (NM_175069.3, NM_175073.3, NM_001195249.2 and 11 more transcripts); c.-98T>G (NM_001369004.1); short protein forms C40W.
Identifiers: ClinVar variation 3379856 (VCV003379856.1).